The following is an entry in ClinVar:

NM_001190274.2(FBXO11):c.290G>A (p.Ser97Asn)

Gene: FBXO11 (F-box protein 11; minus strand). Cytogenetic location: 2p16.3.
Variant type: single nucleotide variant.
Coding change: c.290G>A on transcript NM_001190274.2 (MANE Select); coding-DNA position 290, G replaced by A.
Protein change: p.Ser97Asn; replaces serine 97 with asparagine.
Molecular consequence: missense variant.
Genome position (GRCh38, 1-based): chr2:47,839,712, C>T on the plus strand (G>A on the coding strand, the complement: FBXO11 is on the minus strand). VCF-style: chr2-47839712-C-T. GRCh37 (hg19) VCF-style: chr2-48066851-C-T.
Other names: c.38G>A, p.Ser13Asn (NM_001374325.1, NM_025133.4); short protein forms S13N, S97N.
Identifiers: ClinVar variation 2721447 (VCV002721447.3), dbSNP rs777106251, ClinGen allele CA1650199.
Genomic context (GRCh38, chr2:47,839,712, plus strand): 5'-TTCTTTGTGGGACACGCTGTTCTTTTCGGCAAAAGAGTTTTTCTACGAAGTTGGTATGGA[C>T]TATTTTGTGCACCAGGACCTGATTCTTCTGCAACCATATCTGCAGGCACATCATCATCTG-3'
Protein context (NP_001177203.1, residues 87-107): AEESGPGAQN[Ser97Asn]PYQLRRKTLL

ClinVar aggregate classification (germline): Uncertain significance (1 of 4 stars; one submission).

Allele frequency attached by ClinVar (database versions not stated): ExAC 0.00001.
gnomAD v4.1: 3 of 1,614,112 alleles (0.00019%); highest among the groups gnomAD compares: African/African-American, 0.0013%; no homozygotes.

Submission:

Labcorp Genetics (formerly Invitae), Labcorp
Classification: Uncertain significance. Last evaluated: 2023-11-18. Review status: criteria provided, single submitter. Criteria: Invitae Variant Classification Sherloc (09022015). Collection method: clinical testing. Allele origin: germline.
Comment: This sequence change replaces serine, which is neutral and polar, with asparagine, which is neutral and polar, at codon 97 of the FBXO11 protein (p.Ser97Asn). This variant is present in population databases (rs777106251, gnomAD 0.0009%). This variant has not been reported in the literature in individuals affected with FBXO11-related conditions. An algorithm developed to predict the effect of missense changes on protein structure and function (PolyPhen-2) suggests that this variant is likely to be tolerated. In summary, the available evidence is currently insufficient to determine the role of this variant in disease. Therefore, it has been classified as a Variant of Uncertain Significance.